The following is an entry in ClinVar:

NM_000136.3(FANCC):c.958C>T (p.Gln320Ter)

Genes: AOPEP (aminopeptidase O (putative); plus strand), FANCC (FA complementation group C; minus strand). Cytogenetic location: 9q22.32.
Variant type: single nucleotide variant.
Coding change: c.958C>T on transcript NM_000136.3 (MANE Select); coding-DNA position 958, C replaced by T.
Protein change: p.Gln320Ter; replaces glutamine 320 with a stop codon.
Molecular consequence: nonsense.
Genome position (GRCh38, 1-based): chr9:95,125,124, G>A on the plus strand (C>T on the coding strand, the complement: FANCC is on the minus strand). VCF-style: chr9-95125124-G-A. GRCh37 (hg19) VCF-style: chr9-97887406-G-A.
Other names: c.958C>T, p.Gln320Ter (NM_001243743.2, NM_001243744.2); short protein forms Q320*.
Identifiers: ClinVar variation 843356 (VCV000843356.11), dbSNP rs1825775052, ClinGen allele CA374108870.

ClinVar aggregate classification (germline): Pathogenic/Likely pathogenic. Review status: criteria provided, multiple submitters, no conflicts (2 of 4 stars). 3 submissions from 3 submitters: Pathogenic (2); Likely pathogenic (1). Last evaluated 2022-04-25.

Conditions:
Fanconi anemia complementation group C (FANCC). Also called: FANCONI PANCYTOPENIA, TYPE 3; FACC; Fanconi anemia, group C; FANCC-Related Fanconi Anemia. Identifiers: Orphanet 84, MedGen C3468041, MONDO:0009213, OMIM 227645.
Fanconi anemia (FA). Also called: Fanconi's anemia. Identifiers: Orphanet 84, MedGen C0015625, MeSH D005199, MONDO:0019391.
Hereditary cancer-predisposing syndrome. Also called: Hereditary Cancer Syndrome; Hereditary neoplastic syndrome; Tumor predisposition; Neoplastic Syndromes, Hereditary. Identifiers: Orphanet 140162, MedGen C0027672, MeSH D009386, MONDO:0015356.

Allele frequency attached by ClinVar (database versions not stated): gnomAD exomes below 0.00001.
gnomAD v4.1: 5 of 1,614,178 alleles (0.00031%); highest among the groups gnomAD compares: Middle Eastern, 0.016%; no homozygotes.

Submissions (3):

Baylor Genetics
Classification: Likely pathogenic for Fanconi anemia complementation group C. Last evaluated: 2022-04-25. Review status: criteria provided, single submitter. Criteria: ACMG Guidelines, 2015. Collection method: clinical testing. Allele origin: unknown.

Ambry Genetics
Classification: Pathogenic for Hereditary cancer-predisposing syndrome. Last evaluated: 2020-07-31. Review status: criteria provided, single submitter. Criteria: Ambry Variant Classification Scheme 2023. Collection method: clinical testing. Allele origin: germline.
Comment: The p.Q320* pathogenic mutation (also known as c.958C>T), located in coding exon 9 of the FANCC gene, results from a C to T substitution at nucleotide position 958. This changes the amino acid from a glutamine to a stop codon within coding exon 9. This alteration is expected to result in loss of function by premature protein truncation or nonsense-mediated mRNA decay. As such, this alteration is interpreted as a disease-causing mutation.

Labcorp Genetics (formerly Invitae), Labcorp
Classification: Pathogenic for Fanconi anemia. Last evaluated: 2019-12-03. Review status: criteria provided, single submitter. Criteria: Invitae Variant Classification Sherloc (09022015). Collection method: clinical testing. Allele origin: germline.
Comment: For these reasons, this variant has been classified as Pathogenic. Loss-of-function variants in FANCC are known to be pathogenic (PMID: 17924555). This variant has not been reported in the literature in individuals with FANCC-related conditions. This variant is not present in population databases (ExAC no frequency). This sequence change creates a premature translational stop signal (p.Gln320*) in the FANCC gene. It is expected to result in an absent or disrupted protein product.

Literature cited by the submitters: PubMed 17924555 (cited by Labcorp Genetics (formerly Invitae), Labcorp).